The following is an entry in ClinVar:

ClinVar aggregate classification (germline): Uncertain significance. Review status: criteria provided, multiple submitters, no conflicts (2 of 4 stars). 4 submissions from 4 submitters: Uncertain significance (4). Last evaluated 2025-03-14.

Conditions:
EPS8-related disorder. Also called: EPS8-related condition.
Inborn genetic diseases. Identifiers: MedGen C0950123, MeSH D030342.

Allele frequency attached by ClinVar (database versions not stated): gnomAD 0.00001; gnomAD exomes 0.00001; TOPMed 0.00003; ExAC 0.00005; ESP Exome Variant Server 0.00008.
gnomAD v4.1: 15 of 1,613,164 alleles (0.00093%); highest among the groups gnomAD compares: East Asian, 0.0022%; no homozygotes.

Submissions (4):

PreventionGenetics, part of Exact Sciences
Classification: Uncertain significance for EPS8-related condition. Last evaluated: 2025-03-14. Review status: criteria provided, single submitter. Criteria: ACMG Guidelines, 2015. Collection method: clinical testing. Allele origin: germline.
Comment: The EPS8 c.2276A>G variant is predicted to result in the amino acid substitution p.Asn759Ser. To our knowledge, this variant has not been reported in the literature. This variant is reported in 0.0035% of alleles in individuals of European (Non-Finnish) descent in gnomAD. At this time, the clinical significance of this variant is uncertain due to the absence of conclusive functional and genetic evidence.

GeneDx
Classification: Uncertain significance. Last evaluated: 2024-05-24. Review status: criteria provided, single submitter. Criteria: GeneDx Variant Classification Process June 2021. Collection method: clinical testing. Allele origin: germline. Affected: yes.
Comment: Not observed at significant frequency in large population cohorts (gnomAD); In silico analysis supports that this missense variant has a deleterious effect on protein structure/function; Has not been previously published as pathogenic or benign to our knowledge; In silico analysis suggests this variant may impact gene splicing. In the absence of RNA/functional studies, the actual effect of this sequence change is unknown

Ambry Genetics
Classification: Uncertain significance for Inborn genetic diseases. Last evaluated: 2023-02-07. Review status: criteria provided, single submitter. Criteria: Ambry Variant Classification Scheme 2023. Collection method: clinical testing. Allele origin: germline.

Blueprint Genetics
Classification: Uncertain significance. Last evaluated: 2020-06-02. Review status: criteria provided, single submitter. Criteria: ACMG Guidelines, 2015. Collection method: clinical testing. Allele origin: germline.

NM_004447.6(EPS8):c.2276A>G (p.Asn759Ser)

Gene: EPS8 (EGFR pathway substrate 8, signaling adaptor; minus strand). Cytogenetic location: 12p12.3.
Variant type: single nucleotide variant.
Coding change: c.2276A>G on transcript NM_004447.6 (MANE Select); coding-DNA position 2276, A replaced by G.
Protein change: p.Asn759Ser; replaces asparagine 759 with serine.
Molecular consequence: missense variant. On other transcripts: non-coding transcript variant (3).
Genome position (GRCh38, 1-based): chr12:15,623,237, T>C on the plus strand (A>G on the coding strand, the complement: EPS8 is on the minus strand). VCF-style: chr12-15623237-T-C. GRCh37 (hg19) VCF-style: chr12-15776171-T-C.
Other names: c.2312A>G, p.Asn771Ser (NM_001413831.1); c.2276A>G, p.Asn759Ser (NM_001413832.1, NM_001413833.1, NM_001413834.1); c.2036A>G, p.Asn679Ser (NM_001413835.1, NM_001413836.1); c.1859A>G, p.Asn620Ser (NM_001413837.1); c.1496A>G, p.Asn499Ser (NM_001413838.1); short protein forms N771S, N620S, N499S, N679S, N759S.
Identifiers: ClinVar variation 2480668 (VCV002480668.5), dbSNP rs149250921, ClinGen allele CA6467305.